The following is an entry in ClinVar:

ClinVar aggregate classification (germline): Uncertain significance (1 of 4 stars; one submission).

Submission:

Ambry Genetics
Classification: Uncertain significance. Last evaluated: 2025-10-23. Review status: criteria provided, single submitter. Criteria: Ambry Variant Classification Scheme 2023. Collection method: clinical testing. Allele origin: germline.
Comment: The p.E442K variant (also known as c.1324G>A), located in coding exon 10 of the RECQL gene, results from a G to A substitution at nucleotide position 1324. The glutamic acid at codon 442 is replaced by lysine, an amino acid with similar properties. This amino acid position is conserved. In addition, this alteration is predicted to be tolerated by in silico analysis. Since supporting evidence is limited at this time, the clinical significance of this alteration remains unclear.

NM_002907.4(RECQL):c.1324G>A (p.Glu442Lys)

Gene: RECQL (RecQ like helicase; minus strand). Cytogenetic location: 12p12.1.
Variant type: single nucleotide variant.
Coding change: c.1324G>A on transcript NM_002907.4 (MANE Select); coding-DNA position 1324, G replaced by A.
Protein change: p.Glu442Lys; replaces glutamic acid 442 with lysine.
Molecular consequence: missense variant.
Genome position (GRCh38, 1-based): chr12:21,474,872, C>T on the plus strand (G>A on the coding strand, the complement: RECQL is on the minus strand). VCF-style: chr12-21474872-C-T. GRCh37 (hg19) VCF-style: chr12-21627806-C-T.
Other names: c.1324G>A, p.Glu442Lys (NM_032941.3); short protein forms E442K.
Identifiers: ClinVar variation 1769975 (VCV001769975.3), dbSNP rs1212221553, ClinGen allele CA384118274.